The following is an entry in ClinVar:

ClinVar aggregate classification (germline): Uncertain significance (1 of 4 stars; one submission).

Submission:

Labcorp Genetics (formerly Invitae), Labcorp
Classification: Uncertain significance. Last evaluated: 2025-11-02. Review status: criteria provided, single submitter. Criteria: Invitae Variant Classification Sherloc (09022015). Collection method: clinical testing. Allele origin: germline.
Comment: This sequence change replaces leucine, which is neutral and non-polar, with glutamine, which is neutral and polar, at codon 224 of the NTHL1 protein (p.Leu224Gln). This variant is not present in population databases (gnomAD no frequency). This variant has not been reported in the literature in individuals affected with NTHL1-related conditions. An algorithm developed to predict the effect of missense changes on protein structure and function (PolyPhen-2) suggests that this variant is likely to be disruptive. In summary, the available evidence is currently insufficient to determine the role of this variant in disease. Therefore, it has been classified as a Variant of Uncertain Significance.

NM_002528.7(NTHL1):c.647T>A (p.Leu216Gln)

Gene: NTHL1 (nth like DNA glycosylase 1; minus strand). Cytogenetic location: 16p13.3.
Variant type: single nucleotide variant.
Coding change: c.647T>A on transcript NM_002528.7 (MANE Select); coding-DNA position 647, T replaced by A.
Protein change: p.Leu216Gln; replaces leucine 216 with glutamine.
Molecular consequence: missense variant.
Genome position (GRCh38, 1-based): chr16:2,043,605, A>T on the plus strand (T>A on the coding strand, the complement: NTHL1 is on the minus strand). VCF-style: chr16-2043605-A-T. GRCh37 (hg19) VCF-style: chr16-2093606-A-T.
Other names: c.476T>A, p.Leu159Gln (NM_001318193.2); c.317T>A, p.Leu106Gln (NM_001318194.2); short protein forms L106Q, L159Q, L216Q.
Identifiers: ClinVar variation 4703020 (VCV004703020.1).